The following is an entry in ClinVar:

NM_000052.7(ATP7A):c.3736A>G (p.Met1246Val)

Gene: ATP7A (ATPase copper transporting alpha; plus strand). Cytogenetic location: Xq21.1.
Variant type: single nucleotide variant.
Coding change: c.3736A>G on transcript NM_000052.7 (MANE Select); coding-DNA position 3736, A replaced by G.
Protein change: p.Met1246Val; replaces methionine 1246 with valine.
Molecular consequence: missense variant. On other transcripts: non-coding transcript variant (1).
Genome position (GRCh38, 1-based): chrX:78,040,668, A>G. VCF-style: chrX-78040668-A-G. GRCh37 (hg19) VCF-style: chrX-77296166-A-G.
Other names: c.3736A>G (NM_000052.4); c.3502A>G, p.Met1168Val (NM_001282224.2); short protein forms M1246V, M1168V.
Identifiers: ClinVar variation 841572 (VCV000841572.10), dbSNP rs1385333276, ClinGen allele CA413604852.

ClinVar aggregate classification (germline): Conflicting classifications of pathogenicity. Review status: criteria provided, conflicting classifications (1 of 4 stars). 4 submissions from 4 submitters: Uncertain significance (2); Likely benign (1). 1 of the submissions does not count toward it. Last evaluated 2025-10-18.

Conditions:
Inborn genetic diseases. Identifiers: MedGen C0950123, MeSH D030342.
Menkes kinky-hair syndrome (MNK). Also called: Copper transport disease; Classic Menkes Disease; Menkes Disease. Identifiers: Orphanet 565, MedGen C0022716, MONDO:0010651, OMIM 309400.
Cutis laxa, X-linked (OHS). Also called: EDS IX; Occipital horn syndrome. Identifiers: Orphanet 198, MedGen C0268353, MONDO:0010572, OMIM 304150.
X-linked distal spinal muscular atrophy type 3. Also called: SPINAL MUSCULAR ATROPHY, DISTAL, X-LINKED RECESSIVE; ATP7A-Related Distal Motor Neuropathy; NEURONOPATHY, DISTAL HEREDITARY MOTOR, X-LINKED; NEUROPATHY, DISTAL HEREDITARY MOTOR, X-LINKED. Identifiers: Orphanet 139557, MedGen C1845359, MONDO:0010338, OMIM 300489.

Allele frequency attached by ClinVar (database versions not stated): gnomAD exomes 0.00001 and 0.00002; gnomAD 0.00002; TOPMed 0.00003.

Submissions (4):

Labcorp Genetics (formerly Invitae), Labcorp
Classification: Likely benign for X-linked distal spinal muscular atrophy type 3; Cutis laxa, X-linked; Menkes kinky-hair syndrome. Last evaluated: 2025-10-18. Review status: criteria provided, single submitter. Criteria: Invitae Variant Classification Sherloc (09022015). Collection method: clinical testing. Allele origin: germline.

GeneDx
Classification: Uncertain significance. Last evaluated: 2024-07-09. Review status: criteria provided, single submitter. Criteria: GeneDx Variant Classification Process June 2021. Collection method: clinical testing. Allele origin: germline. Affected: yes.
Comment: In silico analysis supports that this missense variant has a deleterious effect on protein structure/function; Has not been previously published as pathogenic or benign in relation to ATP7A-related disorders to our knowledge; This variant is associated with the following publications: (PMID: 33151932)

Ambry Genetics
Classification: Uncertain significance for Inborn genetic diseases. Last evaluated: 2020-04-27. Review status: criteria provided, single submitter. Criteria: Ambry Variant Classification Scheme 2023. Collection method: clinical testing. Allele origin: germline.
Comment: The p.M1246V variant (also known as c.3736A>G), located in coding exon 18 of the ATP7A gene, results from an A to G substitution at nucleotide position 3736. The methionine at codon 1246 is replaced by valine, an amino acid with highly similar properties. This amino acid position is highly conserved in available vertebrate species. In addition, this alteration is predicted to be deleterious by in silico analysis. Since supporting evidence is limited at this time, the clinical significance of this alteration remains unclear.

Natera, Inc.
Classification: Uncertain significance for Distal spinal muscular atrophy, X-linked 3; Cutis laxa, X-linked; Menkes kinky-hair syndrome. Last evaluated: 2020-09-16. Review status: no assertion criteria provided. Collection method: clinical testing. Allele origin: germline. Not counted in ClinVar's aggregate classification.